The following is an entry in ClinVar:

ClinVar aggregate classification (germline): Pathogenic (1 of 4 stars; one submission).

Conditions:
Marfan syndrome (MFS). Also called: MARFAN SYNDROME, TYPE I; Marfan syndrome type 1; Marfan's syndrome; Marfan syndrome, classic; FBN1-Related Marfan Syndrome. Identifiers: Orphanet 284963, Orphanet 558, MedGen C0024796, MONDO:0007947, OMIM 154700.
Familial thoracic aortic aneurysm and aortic dissection (TAAD). Also called: Thoracic aortic aneurysms and dissections. Identifiers: Orphanet 91387, MedGen C4707243, MONDO:0019625.

Submission:

Labcorp Genetics (formerly Invitae), Labcorp
Classification: Pathogenic for Marfan syndrome; Familial thoracic aortic aneurysm and aortic dissection. Last evaluated: 2024-08-29. Review status: criteria provided, single submitter. Criteria: Invitae Variant Classification Sherloc (09022015). Collection method: clinical testing. Allele origin: germline.
Comment: This sequence change replaces phenylalanine, which is neutral and non-polar, with isoleucine, which is neutral and non-polar, at codon 1517 of the FBN1 protein (p.Phe1517Ile). This variant is not present in population databases (gnomAD no frequency). This missense change has been observed in individual(s) with Marfan syndrome (PMID: 33483584). In at least one individual the variant was observed to be de novo. Invitae Evidence Modeling of protein sequence and biophysical properties (such as structural, functional, and spatial information, amino acid conservation, physicochemical variation, residue mobility, and thermodynamic stability) indicates that this missense variant is expected to disrupt FBN1 protein function with a positive predictive value of 95%. For these reasons, this variant has been classified as Pathogenic.

Literature cited by the submitters: PubMed 33483584.

NM_000138.5(FBN1):c.4549T>A (p.Phe1517Ile)

Gene: FBN1 (fibrillin 1; minus strand). Cytogenetic location: 15q21.1.
Variant type: single nucleotide variant.
Coding change: c.4549T>A on transcript NM_000138.5 (MANE Select); coding-DNA position 4549, T replaced by A.
Protein change: p.Phe1517Ile; replaces phenylalanine 1517 with isoleucine.
Molecular consequence: missense variant.
Genome position (GRCh38, 1-based): chr15:48,468,445, A>T on the plus strand (T>A on the coding strand, the complement: FBN1 is on the minus strand). VCF-style: chr15-48468445-A-T. GRCh37 (hg19) VCF-style: chr15-48760642-A-T.
Other names: c.4549T>A, p.Phe1517Ile (NM_001406716.1); short protein forms F1517I.
Identifiers: ClinVar variation 2928011 (VCV002928011.3), dbSNP rs2505503057, ClinGen allele CA392353434.